The following is an entry in ClinVar:

NM_001267550.2(TTN):c.81370A>T (p.Lys27124Ter)

Genes: TTN (titin; minus strand), TTN-AS1 (TTN antisense RNA 1; plus strand). Cytogenetic location: 2q31.2.
Variant type: single nucleotide variant.
Coding change: c.81370A>T on transcript NM_001267550.2 (MANE Select); coding-DNA position 81370, A replaced by T.
Protein change: p.Lys27124Ter; replaces lysine 27124 with a stop codon.
Molecular consequence: nonsense.
Genome position (GRCh38, 1-based): chr2:178,564,762, T>A on the plus strand (A>T on the coding strand, the complement: TTN is on the minus strand). VCF-style: chr2-178564762-T-A. GRCh37 (hg19) VCF-style: chr2-179429489-T-A.
Other names: c.76447A>T, p.Lys25483Ter (NM_001256850.1); c.54175A>T, p.Lys18059Ter (NM_003319.4); c.73666A>T, p.Lys24556Ter (NM_133378.4); c.54550A>T, p.Lys18184Ter (NM_133432.3); c.54751A>T, p.Lys18251Ter (NM_133437.4); short protein forms K18184*, K18251*, K25483*, K24556*, K27124*, K18059*.
Identifiers: ClinVar variation 4788877 (VCV004788877.1).

ClinVar aggregate classification (germline): Likely pathogenic (1 of 4 stars; one submission).

Conditions:
Autosomal recessive limb-girdle muscular dystrophy type 2J (LGMDR10). Also called: Limb-girdle muscular dystrophy, type 2J; MUSCULAR DYSTROPHY, LIMB-GIRDLE, AUTOSOMAL RECESSIVE 10. Identifiers: Orphanet 140922, MedGen C1837342, MONDO:0012127, OMIM 608807.
Dilated cardiomyopathy 1G (CMD1G). Identifiers: Orphanet 154, MedGen C1858763, MONDO:0011400, OMIM 604145.

Submission:

Labcorp Genetics (formerly Invitae), Labcorp
Classification: Likely pathogenic for Dilated cardiomyopathy 1G; Autosomal recessive limb-girdle muscular dystrophy type 2J. Last evaluated: 2025-11-09. Review status: criteria provided, single submitter. Criteria: Invitae Variant Classification Sherloc (09022015). Collection method: clinical testing. Allele origin: germline.
Comment: This sequence change creates a premature translational stop signal (p.Lys27124*) in the TTN gene. While this is not anticipated to result in nonsense mediated decay, it is expected to create a truncated TTN protein. This variant is not present in population databases (gnomAD no frequency). This variant has not been reported in the literature in individuals affected with TTN-related conditions. This variant is located in the A band of TTN (PMID: 25589632). Truncating variants in this region are significantly overrepresented in patients affected with dilated cardiomyopathy (PMID: 25589632). Truncating variants in this region have also been reported in individuals affected with autosomal recessive centronuclear myopathy (PMID: 23975875). In summary, the currently available evidence indicates that the variant is pathogenic, but additional data are needed to prove that conclusively. Therefore, this variant has been classified as Likely Pathogenic.

Literature cited by the submitters: PubMed 25589632; PubMed 23975875.